The following is an entry in ClinVar:

ClinVar aggregate classification (germline): Uncertain significance. Review status: criteria provided, multiple submitters, no conflicts (2 of 4 stars). 2 submissions from 2 submitters: Uncertain significance (2). Last evaluated 2024-01-17.

Conditions:
Inborn genetic diseases. Identifiers: MedGen C0950123, MeSH D030342.

Allele frequency attached by ClinVar (database versions not stated): gnomAD 0.00001.

Submissions (2):

Ambry Genetics
Classification: Uncertain significance for Inborn genetic diseases. Last evaluated: 2024-01-17. Review status: criteria provided, single submitter. Criteria: Ambry Variant Classification Scheme 2023. Collection method: clinical testing. Allele origin: germline.

Labcorp Genetics (formerly Invitae), Labcorp
Classification: Uncertain significance. Last evaluated: 2022-09-10. Review status: criteria provided, single submitter. Criteria: Invitae Variant Classification Sherloc (09022015). Collection method: clinical testing. Allele origin: germline.
Comment: This variant has not been reported in the literature in individuals affected with NYX-related conditions. This sequence change replaces serine, which is neutral and polar, with cysteine, which is neutral and slightly polar, at codon 397 of the NYX protein (p.Ser397Cys). This variant is not present in population databases (gnomAD no frequency). Algorithms developed to predict the effect of missense changes on protein structure and function are either unavailable or do not agree on the potential impact of this missense change (SIFT: "Tolerated"; PolyPhen-2: "Possibly Damaging"; Align-GVGD: "Class C0"). In summary, the available evidence is currently insufficient to determine the role of this variant in disease. Therefore, it has been classified as a Variant of Uncertain Significance.

NM_001378477.3(NYX):c.1175C>G (p.Ser392Cys)

Gene: NYX (nyctalopin; plus strand). Cytogenetic location: Xp11.4.
Variant type: single nucleotide variant.
Coding change: c.1175C>G on transcript NM_001378477.3 (MANE Select); coding-DNA position 1175, C replaced by G.
Protein change: p.Ser392Cys; replaces serine 392 with cysteine.
Molecular consequence: missense variant.
Genome position (GRCh38, 1-based): chrX:41,474,643, C>G. VCF-style: chrX-41474643-C-G. GRCh37 (hg19) VCF-style: chrX-41333896-C-G.
Other names: c.1175C>G, p.Ser392Cys (NM_022567.3); c.1190C>G (NM_022567.2); short protein forms S392C.
Identifiers: ClinVar variation 1961063 (VCV001961063.6), dbSNP rs1387621161, ClinGen allele CA412992992.
Genomic context (GRCh38, chrX:41,474,643, plus strand): 5'-CCTTCGGGCGCTCCTCCGATGGCCTCTGTGTGGACCCCGAGGAGCTGAACCTCACCACGT[C>G]CAGTCCAGGCCCGTCCCCAGAACCAGCGGCCACCACCGTGAGCAGGTTCAGCAGCCTCCT-3'
Protein context (NP_001365406.2, residues 382-402): VDPEELNLTT[Ser392Cys]SPGPSPEPAA